The following is an entry in ClinVar:

NM_001005242.3(PKP2):c.2003G>C (p.Gly668Ala)

Gene: PKP2 (plakophilin 2; minus strand). Cytogenetic location: 12p11.21.
Variant type: single nucleotide variant.
Coding change: c.2003G>C on transcript NM_001005242.3 (MANE Select); coding-DNA position 2003, G replaced by C.
Protein change: p.Gly668Ala; replaces glycine 668 with alanine.
Molecular consequence: missense variant.
Genome position (GRCh38, 1-based): chr12:32,821,366, C>G on the plus strand (G>C on the coding strand, the complement: PKP2 is on the minus strand). VCF-style: chr12-32821366-C-G. GRCh37 (hg19) VCF-style: chr12-32974300-C-G.
Other names: c.2135G>C, p.Gly712Ala (NM_004572.4); short protein forms G668A, G712A.
Identifiers: ClinVar variation 660253 (VCV000660253.8), dbSNP rs1348373466, ClinGen allele CA384361555.

ClinVar aggregate classification (germline): Uncertain significance (1 of 4 stars; one submission).

Conditions:
Arrhythmogenic right ventricular dysplasia 9 (ARVD9). Also called: ARRHYTHMOGENIC RIGHT VENTRICULAR DYSPLASIA, FAMILIAL, 9; Arrhythmogenic Right Ventricular Dysplasia/Cardiomyopathy 9. Identifiers: MedGen C1836906, MONDO:0012180, OMIM 609040.

gnomAD v4.1: 1 of 1,614,086 alleles (0.000062%); highest among the groups gnomAD compares: Non-Finnish European, 0.000085%; no homozygotes.

Submission:

Labcorp Genetics (formerly Invitae), Labcorp
Classification: Uncertain significance for Arrhythmogenic right ventricular dysplasia 9. Last evaluated: 2025-12-24. Review status: criteria provided, single submitter. Criteria: Invitae Variant Classification Sherloc (09022015). Collection method: clinical testing. Allele origin: germline.
Comment: This sequence change replaces glycine, which is neutral and non-polar, with alanine, which is neutral and non-polar, at codon 712 of the PKP2 protein (p.Gly712Ala). This variant is not present in population databases (gnomAD no frequency). This variant has not been reported in the literature in individuals affected with PKP2-related conditions. ClinVar contains an entry for this variant (Variation ID: 660253). An algorithm developed to predict the effect of missense changes on protein structure and function (PolyPhen-2) suggests that this variant is likely to be disruptive. In summary, the available evidence is currently insufficient to determine the role of this variant in disease. Therefore, it has been classified as a Variant of Uncertain Significance.